The following is an entry in ClinVar:

NM_006351.4(TIMM44):c.580G>A (p.Val194Ile)

Gene: TIMM44 (translocase of inner mitochondrial membrane 44; minus strand). Cytogenetic location: 19p13.2.
Variant type: single nucleotide variant.
Coding change: c.580G>A on transcript NM_006351.4 (MANE Select); coding-DNA position 580, G replaced by A.
Protein change: p.Val194Ile; replaces valine 194 with isoleucine.
Molecular consequence: missense variant.
Genome position (GRCh38, 1-based): chr19:7,933,967, C>T on the plus strand (G>A on the coding strand, the complement: TIMM44 is on the minus strand). VCF-style: chr19-7933967-C-T. GRCh37 (hg19) VCF-style: chr19-7998852-C-T.
Other names: short protein forms V194I.
Identifiers: ClinVar variation 215249 (VCV000215249.2), dbSNP rs147925283, ClinGen allele CA322681.

ClinVar aggregate classification (germline): Conflicting classifications of pathogenicity. Review status: criteria provided, conflicting classifications (1 of 4 stars). 2 submissions from 2 submitters: Uncertain significance (1); Likely benign (1). Last evaluated 2025-06-03.

Allele frequency attached by ClinVar (database versions not stated): ExAC 0.00008; gnomAD exomes 0.00008 and 0.00021; 1000 Genomes Project 30x 0.00016; 1000 Genomes Project 0.00020; gnomAD 0.00020; TOPMed 0.00022; ESP Exome Variant Server 0.00031.
gnomAD v4.1: 336 of 1,614,144 alleles (0.021%); highest among the groups gnomAD compares: East Asian, 0.61%; 2 homozygotes.

Submissions (2):

Ambry Genetics
Classification: Uncertain significance. Last evaluated: 2025-06-03. Review status: criteria provided, single submitter. Criteria: Ambry Variant Classification Scheme 2023. Collection method: clinical testing. Allele origin: germline.

GeneDx
Classification: Likely benign. Last evaluated: 2014-03-03. Review status: criteria provided, single submitter. Criteria: GeneDx Variant Classification (06012015). Collection method: clinical testing. Allele origin: germline. Affected: yes.
Comment: This variant is considered likely benign or benign based on one or more of the following criteria: it is a conservative change, it occurs at a poorly conserved position in the protein, it is predicted to be benign by multiple in silico algorithms, and/or has population frequency not consistent with disease.